The following is an entry in ClinVar:

ClinVar aggregate classification (germline): Likely pathogenic (1 of 4 stars; one submission).

Conditions:
Microcephalic primordial dwarfism, Alazami type. Also called: Alazami syndrome; FACIAL DYSMORPHISM, INTELLECTUAL DISABILITY, AND PRIMORDIAL DWARFISM. Identifiers: Orphanet 319671, MedGen C3554439, MONDO:0014031, OMIM 615071.

Submission:

Juno Genomics, Hangzhou Juno Genomics, Inc
Classification: Likely pathogenic for Microcephalic primordial dwarfism, Alazami type. Review status: criteria provided, single submitter. Criteria: ACMG Guidelines, 2015. Collection method: clinical testing. Allele origin: germline.
Comment: Null variant in a gene where loss of function (LOF) is a known mechanism of disease.;Absent from controls (or at extremely low frequency if recessive) in Genome Aggregation Database.

NM_016648.4(LARP7):c.525_528del (p.Lys176fs)

Genes: LARP7 (La ribonucleoprotein 7, transcriptional regulator; plus strand), MIR302CHG (miR-302/367 cluster host gene; minus strand). Cytogenetic location: 4q25.
Variant type: Deletion.
Coding change: c.525_528del on transcript NM_016648.4 (MANE Select); coding-DNA positions 525 to 528, 4 bases deleted (AAAA; older notation c.525_528delAAAA).
Protein change: p.Lys176fs; shifts the reading frame from lysine 176.
Molecular consequence: frameshift variant. On other transcripts: non-coding transcript variant (3).
Genome position (GRCh38, 1-based): chr4:112,646,928-112,646,931, AAAA deleted. VCF-style (leftmost placement, unchanged base first): chr4-112646927-CAAAA-C. GRCh37 (hg19) VCF-style: chr4-113568083-CAAAA-C.
Other names: c.525_528del, p.Lys176fs (NM_001267039.4, NM_001370974.1, NM_001370975.1 and 6 more transcripts); c.288_291del, p.Lys97fs (NM_001370981.1, NM_001370982.1); short protein forms K176fs, K97fs.
Identifiers: ClinVar variation 5006716 (VCV005006716.2).
Genomic context (GRCh38, chr4:112,646,927, plus strand): 5'-GTATACCACATTATAAGTCTACTGGAGATCCAAAGGGATTTGCGTTTGTGGAATTTGAAA[CAAAA>C]GAACAAGCAGCAAAAGCAATTGAGGTAAGTCCAGATCCTAAAAAAAAAAAAAGAAAGAAA-3'